The following is an entry in ClinVar:

ClinVar aggregate classification (germline): Likely benign (1 of 4 stars; one submission).

gnomAD v4.1: 3 of 1,613,790 alleles (0.00019%); highest among the groups gnomAD compares: Non-Finnish European, 0.000085%; no homozygotes.

Submission:

GeneDx
Classification: Likely benign. Last evaluated: 2016-01-29. Review status: criteria provided, single submitter. Criteria: GeneDx Variant Classification (06012015). Collection method: clinical testing. Allele origin: germline. Affected: yes.
Comment: This variant is considered likely benign or benign based on one or more of the following criteria: it is a conservative change, it occurs at a poorly conserved position in the protein, it is predicted to be benign by multiple in silico algorithms, and/or has population frequency not consistent with disease.

NM_001005373.4(LRSAM1):c.175-19C>G

Gene: LRSAM1 (leucine rich repeat and sterile alpha motif containing 1; plus strand). Cytogenetic location: 9q33.3.
Variant type: single nucleotide variant.
Coding change: c.175-19C>G on transcript NM_001005373.4 (MANE Select); 19 bases into the intron before coding-DNA position 175, C replaced by G.
Molecular consequence: intron variant.
Genome position (GRCh38, 1-based): chr9:127,457,297, C>G. VCF-style: chr9-127457297-C-G. GRCh37 (hg19) VCF-style: chr9-130219576-C-G.
Other names: c.175-19C>G (NM_138361.5, NM_001384142.1, NM_001384143.1 and 2 more transcripts); c.-610-19C>G (NM_001384144.1).
Identifiers: ClinVar variation 383250 (VCV000383250.1), dbSNP rs758774140, ClinGen allele CA5246436.